The following is an entry in ClinVar:

NM_001035.3(RYR2):c.3507C>T (p.Asn1169=)

Gene: RYR2 (ryanodine receptor 2; plus strand). Cytogenetic location: 1q43.
Variant type: single nucleotide variant.
Coding change: c.3507C>T on transcript NM_001035.3 (MANE Select); coding-DNA position 3507, C replaced by T.
Protein change: p.Asn1169=; no amino-acid change (asparagine 1169 retained).
Molecular consequence: synonymous variant.
Genome position (GRCh38, 1-based): chr1:237,569,228, C>T. VCF-style: chr1-237569228-C-T. GRCh37 (hg19) VCF-style: chr1-237732528-C-T.
Other names: c.3507C>T (NM_001035.2).
Identifiers: ClinVar variation 928158 (VCV000928158.15), dbSNP rs746106606, ClinGen allele CA086400.

ClinVar aggregate classification (germline): Benign/Likely benign. Review status: criteria provided, multiple submitters, no conflicts (2 of 4 stars). 5 submissions from 5 submitters: Benign (1); Likely benign (4). Last evaluated 2025-05-18.

Conditions:
Cardiovascular phenotype. Identifiers: MedGen CN230736.
Catecholaminergic polymorphic ventricular tachycardia 1. Also called: RYR2-Related Catecholaminergic Polymorphic Ventricular Tachycardia; VENTRICULAR TACHYCARDIA, STRESS-INDUCED POLYMORPHIC 1; VENTRICULAR TACHYCARDIA, CATECHOLAMINERGIC POLYMORPHIC, 1, WITH OR WITHOUT ATRIAL DYSFUNCTION AND/OR DILATED CARDIOMYOPATHY. Identifiers: Orphanet 3286, MedGen C1631597, MONDO:0011484, OMIM 604772.
Cardiomyopathy (CMYO). Also called: Cardiomyopathies. Identifiers: Orphanet 167848, MedGen C0878544, MONDO:0004994, HP:0001638. Inheritance: Various modes of inheritance.
Catecholaminergic polymorphic ventricular tachycardia (CVPT). Also called: Catecholamine-induced polymorphic ventricular tachycardia. Identifiers: Orphanet 3286, MedGen C5574922, MONDO:0017990.

Allele frequency attached by ClinVar (database versions not stated): ExAC 0.00005; TOPMed 0.00005; gnomAD exomes 0.00006.
gnomAD v4.1: 23 of 1,613,788 alleles (0.0014%); highest among the groups gnomAD compares: East Asian, 0.04%; no homozygotes.

Submissions (5):

Labcorp Genetics (formerly Invitae), Labcorp
Classification: Benign for Catecholaminergic polymorphic ventricular tachycardia 1. Last evaluated: 2025-05-18. Review status: criteria provided, single submitter. Criteria: Invitae Variant Classification Sherloc (09022015). Collection method: clinical testing. Allele origin: germline.

Blueprint Genetics
Classification: Likely benign. Last evaluated: 2024-08-30. Review status: criteria provided, single submitter. Criteria: ACMG Guidelines, 2015. Collection method: clinical testing. Allele origin: germline.

Ambry Genetics
Classification: Likely benign for Cardiovascular phenotype. Last evaluated: 2024-05-12. Review status: criteria provided, single submitter. Criteria: Ambry Variant Classification Scheme 2023. Collection method: clinical testing. Allele origin: germline.

All of Us Research Program, National Institutes of Health
Classification: Likely benign for Catecholaminergic polymorphic ventricular tachycardia. Last evaluated: 2023-11-02. Review status: criteria provided, single submitter. Criteria: ACMG Guidelines, 2015. Collection method: clinical testing. Allele origin: germline. Inheritance: Autosomal dominant inheritance. Observed: 4 variant alleles, 4 heterozygotes.
Comment: This study involves interpretation of variants in research participants for the purpose of population health screening. Participant phenotype was not available at the time of variant classification. Additional details can be found in publication PMID: 35346344, PMCID: PMC8962531

Color Diagnostics, LLC DBA Color Health
Classification: Likely benign for Cardiomyopathy. Last evaluated: 2018-11-25. Review status: criteria provided, single submitter. Criteria: ACMG Guidelines, 2015. Collection method: clinical testing. Allele origin: germline.